The following is an entry in ClinVar:

ClinVar aggregate classification (germline): Uncertain significance. Review status: criteria provided, multiple submitters, no conflicts (2 of 4 stars). 2 submissions from 2 submitters: Uncertain significance (2). Last evaluated 2024-09-27.

Conditions:
Inborn genetic diseases. Identifiers: MedGen C0950123, MeSH D030342.

Allele frequency attached by ClinVar (database versions not stated): TOPMed 0.00002; gnomAD exomes 0.00004; gnomAD 0.00005; ExAC 0.00014.
gnomAD v4.1: 72 of 1,613,074 alleles (0.0045%); highest among the groups gnomAD compares: South Asian, 0.0055%; no homozygotes.

Submissions (2):

Labcorp Genetics (formerly Invitae), Labcorp
Classification: Uncertain significance. Last evaluated: 2024-09-27. Review status: criteria provided, single submitter. Criteria: Invitae Variant Classification Sherloc (09022015). Collection method: clinical testing. Allele origin: germline.
Comment: This sequence change replaces methionine, which is neutral and non-polar, with threonine, which is neutral and polar, at codon 900 of the INTU protein (p.Met900Thr). This variant is present in population databases (rs761432234, gnomAD 0.02%). This variant has not been reported in the literature in individuals affected with INTU-related conditions. ClinVar contains an entry for this variant (Variation ID: 2238267). Invitae Evidence Modeling of protein sequence and biophysical properties (such as structural, functional, and spatial information, amino acid conservation, physicochemical variation, residue mobility, and thermodynamic stability) indicates that this missense variant is not expected to disrupt INTU protein function with a negative predictive value of 80%. In summary, the available evidence is currently insufficient to determine the role of this variant in disease. Therefore, it has been classified as a Variant of Uncertain Significance.

Ambry Genetics
Classification: Uncertain significance for Inborn genetic diseases. Last evaluated: 2021-07-20. Review status: criteria provided, single submitter. Criteria: Ambry Variant Classification Scheme 2023. Collection method: clinical testing. Allele origin: germline.

NM_015693.4(INTU):c.2699T>C (p.Met900Thr)

Gene: INTU (inturned planar cell polarity protein; plus strand). Cytogenetic location: 4q28.1.
Variant type: single nucleotide variant.
Coding change: c.2699T>C on transcript NM_015693.4 (MANE Select); coding-DNA position 2699, T replaced by C.
Protein change: p.Met900Thr; replaces methionine 900 with threonine.
Molecular consequence: missense variant.
Genome position (GRCh38, 1-based): chr4:127,714,075, T>C. VCF-style: chr4-127714075-T-C. GRCh37 (hg19) VCF-style: chr4-128635230-T-C.
Other names: short protein forms M900T.
Identifiers: ClinVar variation 2238267 (VCV002238267.5), dbSNP rs761432234, ClinGen allele CA3075385.